The following is an entry in ClinVar:

ClinVar aggregate classification (germline): Uncertain significance. Review status: criteria provided, multiple submitters, no conflicts (2 of 4 stars). 2 submissions from 2 submitters: Uncertain significance (2). Last evaluated 2025-05-12.

Conditions:
GTP cyclohydrolase I deficiency. Identifiers: MedGen C0268467, MONDO:0100184.
Dystonia 5 (DRD). Also called: GTP Cyclohydrolase 1-Deficient Dopa-Responsive Dystonia; DYSTONIA, PROGRESSIVE, WITH DIURNAL VARIATION; DYSTONIA-PARKINSONISM WITH DIURNAL FLUCTUATION; DYT-GCH1; Dystonia, DOPA-responsive, with or without hyperphenylalaninemia. Identifiers: Orphanet 98808, MedGen C1851920, MONDO:0007495, OMIM 128230.

Allele frequency attached by ClinVar (database versions not stated): TOPMed below 0.00001; gnomAD exomes 0.00001; gnomAD 0.00002.
gnomAD v4.1: 10 of 1,493,578 alleles (0.00067%); highest among the groups gnomAD compares: East Asian, 0.0055%; no homozygotes.

Submissions (2):

Mayo Clinic Laboratories, Mayo Clinic
Classification: Uncertain significance. Last evaluated: 2025-05-12. Review status: criteria provided, single submitter. Criteria: ACMG Guidelines, 2015. Collection method: clinical testing. Allele origin: germline. Observed: 1 variant allele.
Comment: PM2_supporting

Labcorp Genetics (formerly Invitae), Labcorp
Classification: Uncertain significance for GTP cyclohydrolase I deficiency; Dystonia 5. Last evaluated: 2022-09-30. Review status: criteria provided, single submitter. Criteria: Invitae Variant Classification Sherloc (09022015). Collection method: clinical testing. Allele origin: germline.
Comment: This sequence change replaces proline, which is neutral and non-polar, with leucine, which is neutral and non-polar, at codon 28 of the GCH1 protein (p.Pro28Leu). This variant is present in population databases (rs774568081, gnomAD 0.02%). This variant has not been reported in the literature in individuals affected with GCH1-related conditions. ClinVar contains an entry for this variant (Variation ID: 1426335). Advanced modeling of protein sequence and biophysical properties (such as structural, functional, and spatial information, amino acid conservation, physicochemical variation, residue mobility, and thermodynamic stability) performed at Invitae indicates that this missense variant is not expected to disrupt GCH1 protein function. In summary, the available evidence is currently insufficient to determine the role of this variant in disease. Therefore, it has been classified as a Variant of Uncertain Significance.

NM_000161.3(GCH1):c.83C>T (p.Pro28Leu)

Genes: GCH1 (GTP cyclohydrolase 1; minus strand), LOC130055692 (ATAC-STARR-seq lymphoblastoid silent region 5776; plus strand). Cytogenetic location: 14q22.2.
Variant type: single nucleotide variant.
Coding change: c.83C>T on transcript NM_000161.3 (MANE Select); coding-DNA position 83, C replaced by T.
Protein change: p.Pro28Leu; replaces proline 28 with leucine.
Molecular consequence: missense variant.
Genome position (GRCh38, 1-based): chr14:54,902,581, G>A on the plus strand (C>T on the coding strand, the complement: GCH1 is on the minus strand). VCF-style: chr14-54902581-G-A. GRCh37 (hg19) VCF-style: chr14-55369299-G-A.
Other names: p.Pro28Leu; c.83C>T, p.Pro28Leu (NM_001024024.2, NM_001024070.2, NM_001024071.2); short protein forms P28L.
Identifiers: ClinVar variation 1426335 (VCV001426335.4), dbSNP rs774568081, ClinGen allele CA7193680.